The following is an entry in ClinVar:

ClinVar aggregate classification (germline): Benign/Likely benign. Review status: criteria provided, multiple submitters, no conflicts (2 of 4 stars). 3 submissions from 3 submitters: Benign (1); Likely benign (2). Last evaluated 2024-06-02.

Conditions:
Familial adenomatous polyposis 1 (FAP1). Also called: POLYPOSIS, ADENOMATOUS INTESTINAL; FAMILIAL ADENOMATOUS POLYPOSIS 1, ATTENUATED. Identifiers: MedGen C2713442, MONDO:0021056, OMIM 175100. Disease mechanism: loss of function.
Hereditary cancer-predisposing syndrome. Also called: Hereditary neoplastic syndrome; Neoplastic Syndromes, Hereditary; Tumor predisposition; Hereditary Cancer Syndrome. Identifiers: Orphanet 140162, MedGen C0027672, MeSH D009386, MONDO:0015356.

gnomAD v4.1: 2 of 1,613,870 alleles (0.00012%); highest among the groups gnomAD compares: Admixed American, 0.0033%; no homozygotes.

Submissions (3):

Labcorp Genetics (formerly Invitae), Labcorp
Classification: Likely benign for Familial adenomatous polyposis 1. Last evaluated: 2024-06-02. Review status: criteria provided, single submitter. Criteria: Invitae Variant Classification Sherloc (09022015). Collection method: clinical testing. Allele origin: germline.

Myriad Genetics, Inc.
Classification: Benign for Familial adenomatous polyposis 1. Last evaluated: 2024-04-01. Review status: criteria provided, single submitter. Criteria: Myriad Autosomal Dominant, Autosomal Recessive and X-Linked Classification Criteria (2023). Collection method: clinical testing. Allele origin: unknown.
Comment: This variant is considered benign. This variant is a silent/synonymous amino acid change and it is not expected to impact splicing.

Ambry Genetics
Classification: Likely benign for Hereditary cancer-predisposing syndrome. Last evaluated: 2023-12-19. Review status: criteria provided, single submitter. Criteria: Ambry Variant Classification Scheme 2023. Collection method: clinical testing. Allele origin: germline.

NM_000038.6(APC):c.5319T>A (p.Thr1773=)

Gene: APC (APC regulator of Wnt signaling pathway; plus strand). Cytogenetic location: 5q22.2.
Variant type: single nucleotide variant.
Coding change: c.5319T>A on transcript NM_000038.6 (MANE Select); coding-DNA position 5319, T replaced by A.
Protein change: p.Thr1773=; no amino-acid change (threonine 1773 retained).
Molecular consequence: synonymous variant.
Genome position (GRCh38, 1-based): chr5:112,840,913, T>A. VCF-style: chr5-112840913-T-A. GRCh37 (hg19) VCF-style: chr5-112176610-T-A.
Other names: c.5319T>A, p.Thr1773= (NM_001127510.3, NM_001354895.2); c.5265T>A, p.Thr1755= (NM_001127511.3); c.5373T>A, p.Thr1791= (NM_001354896.2); c.5349T>A, p.Thr1783= (NM_001354897.2); c.5244T>A, p.Thr1748= (NM_001354898.2); c.5235T>A, p.Thr1745= (NM_001354899.2); c.5196T>A, p.Thr1732= (NM_001354900.2); c.5142T>A, p.Thr1714= (NM_001354901.2); and 5 more.
Identifiers: ClinVar variation 469998 (VCV000469998.12), dbSNP rs563219702, ClinGen allele CA446208787.
Genomic context (GRCh38, chr5:112,840,913, plus strand): 5'-ATCTGCGTCTTCTTCTGCACCCAACAAAAATCAGTTAGATGGTAAGAAAAAGAAACCAAC[T>A]TCACCAGTAAAACCTATACCACAAAATACTGAATATAGGACACGTGTAAGAAAAAATGCA-3'
Protein context (NP_000029.2, residues 1763-1783): NQLDGKKKKP[Thr1773=]SPVKPIPQNT